The following is an entry in ClinVar:

NM_007294.4(BRCA1):c.1114T>A (p.Trp372Arg)

Gene: BRCA1 (BRCA1 DNA repair associated; minus strand). Cytogenetic location: 17q21.31.
Variant type: single nucleotide variant.
Coding change: c.1114T>A on transcript NM_007294.4 (MANE Select); coding-DNA position 1114, T replaced by A.
Protein change: p.Trp372Arg; replaces tryptophan 372 with arginine.
Molecular consequence: missense variant. On other transcripts: intron variant (137).
Genome position (GRCh38, 1-based): chr17:43,094,417, A>T on the plus strand (T>A on the coding strand, the complement: BRCA1 is on the minus strand). VCF-style: chr17-43094417-A-T. GRCh37 (hg19) VCF-style: chr17-41246434-A-T.
Other names: c.1111T>A, p.Trp371Arg (NM_001407627.1, NM_001407633.1, NM_001407634.1 and 22 more transcripts); c.733T>A, p.Trp245Arg (NM_001407959.1, NM_001407960.1, NM_001407963.1); c.610T>A, p.Trp204Arg (NM_001407965.1); c.970T>A, p.Trp324Arg (NM_001407964.1, NM_001407740.1, NM_001407741.1 and 20 more transcripts); c.730T>A, p.Trp244Arg (NM_001407962.1); c.1114T>A, p.Trp372Arg (NM_001407593.1, NM_001407594.1, NM_001407596.1 and 30 more transcripts); c.901T>A, p.Trp301Arg (NM_001407571.1, NM_001407853.1, NM_001407894.1 and 9 more transcripts); c.1105T>A, p.Trp369Arg (NM_001407646.1, NM_001407647.1); and 40 more; short protein forms W372R, W325R, W244R, W245R, W305R, W371R, W204R, W261R.
Identifiers: ClinVar variation 462550 (VCV000462550.13), dbSNP rs1306111238, ClinGen allele CA10599830.

ClinVar aggregate classification (germline): Conflicting classifications of pathogenicity. Review status: criteria provided, conflicting classifications (1 of 4 stars). 3 submissions from 3 submitters: Uncertain significance (2); Likely benign (1). Last evaluated 2025-10-31.

Conditions:
Hereditary cancer-predisposing syndrome. Also called: Neoplastic Syndromes, Hereditary; Hereditary Cancer Syndrome; Hereditary neoplastic syndrome; Tumor predisposition. Identifiers: Orphanet 140162, MedGen C0027672, MeSH D009386, MONDO:0015356.
Hereditary breast ovarian cancer syndrome. Also called: Hereditary breast and ovarian cancer syndrome (HBOC); Hereditary breast and ovarian cancer syndrome; Breast and ovarian cancer; Hereditary breast and/or ovarian cancer syndrome; Hereditary breast and ovarian cancer; BRCA1- and BRCA2-Associated Hereditary Breast and Ovarian Cancer. Identifiers: Orphanet 145, MedGen C0677776, MeSH D061325, MONDO:0003582. Disease mechanism: loss of function.

Submissions (3):

Women's Health and Genetics/Laboratory Corporation of America, LabCorp
Classification: Uncertain significance. Last evaluated: 2025-10-31. Review status: criteria provided, single submitter. Criteria: LabCorp Variant Classification Summary - May 2015. Collection method: clinical testing. Allele origin: germline.
Comment: Variant summary: BRCA1 c.1114T>A (p.Trp372Arg) results in a non-conservative amino acid change in the encoded protein sequence. Algorithms developed to predict the effect of missense changes on protein structure and function are either unavailable or do not agree on the potential impact of this missense change. The variant was absent in 251174 control chromosomes. The available data on variant occurrences in the general population are insufficient to allow any conclusion about variant significance. To our knowledge, no occurrence of c.1114T>A in individuals affected with BRCA1-related conditions and no experimental evidence demonstrating its impact on protein function have been reported. ClinVar contains an entry for this variant (Variation ID: 462550). Based on the evidence outlined above, the variant was classified as uncertain significance.

University of Washington Department of Laboratory Medicine, University of Washington
Classification: Likely benign for Hereditary cancer-predisposing syndrome. Last evaluated: 2023-03-23. Review status: criteria provided, single submitter. Criteria: Dines et al. (Genet Med. 2020). Collection method: curation. Allele origin: germline.
Comment: Missense variant in a coldspot region where missense variants are very unlikely to be pathogenic (PMID:31911673).

BRCA1 coldspot (exon 11 using historical exon numbering). Reclassification based on statistical prior probability

Labcorp Genetics (formerly Invitae), Labcorp
Classification: Uncertain significance for Hereditary breast ovarian cancer syndrome. Last evaluated: 2023-03-04. Review status: criteria provided, single submitter. Criteria: Invitae Variant Classification Sherloc (09022015). Collection method: clinical testing. Allele origin: germline.
Comment: This variant has not been reported in the literature in individuals affected with BRCA1-related conditions. This variant is not present in population databases (gnomAD no frequency). This sequence change replaces tryptophan, which is neutral and slightly polar, with arginine, which is basic and polar, at codon 372 of the BRCA1 protein (p.Trp372Arg). ClinVar contains an entry for this variant (Variation ID: 462550). Advanced modeling of protein sequence and biophysical properties (such as structural, functional, and spatial information, amino acid conservation, physicochemical variation, residue mobility, and thermodynamic stability) performed at Invitae indicates that this missense variant is not expected to disrupt BRCA1 protein function. In summary, the available evidence is currently insufficient to determine the role of this variant in disease. Therefore, it has been classified as a Variant of Uncertain Significance.